The following is an entry in ClinVar:

ClinVar aggregate classification (germline): Pathogenic. Review status: criteria provided, multiple submitters, no conflicts (2 of 4 stars). 4 submissions from 4 submitters: Pathogenic (4). Last evaluated 2025-08-29.

Conditions:
Adenylosuccinate lyase deficiency (ADSLD). Also called: ADSL DEFICIENCY. Identifiers: Orphanet 46, MedGen C0268126, MONDO:0007068, OMIM 103050.

Allele frequency attached by ClinVar (database versions not stated): gnomAD exomes below 0.00001; ExAC 0.00001.
gnomAD v4.1: 3 of 1,612,988 alleles (0.00019%); highest among the groups gnomAD compares: Non-Finnish European, 0.00025%; no homozygotes.

Submissions (4):

Labcorp Genetics (formerly Invitae), Labcorp
Classification: Pathogenic for Adenylosuccinate lyase deficiency. Last evaluated: 2025-08-29. Review status: criteria provided, single submitter. Criteria: Invitae Variant Classification Sherloc (09022015). Collection method: clinical testing. Allele origin: germline.
Comment: This sequence change creates a premature translational stop signal (p.Arg337*) in the ADSL gene. It is expected to result in an absent or disrupted protein product. Loss-of-function variants in ADSL are known to be pathogenic (PMID: 10888601, 20177786). The frequency data for this variant in the population databases is considered unreliable, as metrics indicate poor data quality at this position in the gnomAD database. This premature translational stop signal has been observed in individual(s) with adenylosuccinate lyase deficiency (PMID: 10888601). ClinVar contains an entry for this variant (Variation ID: 204789). For these reasons, this variant has been classified as Pathogenic.

Genome-Nilou Lab
Classification: Pathogenic for Adenylosuccinate lyase deficiency. Last evaluated: 2021-05-18. Review status: criteria provided, single submitter. Criteria: ACMG Guidelines, 2015. Collection method: clinical testing. Allele origin: germline. Affected: no.

Centre for Mendelian Genomics, University Medical Centre Ljubljana
Classification: Pathogenic for Adenylosuccinate lyase deficiency. Last evaluated: 2019-12-12. Review status: criteria provided, single submitter. Criteria: ACMG Guidelines, 2015. Collection method: clinical testing. Allele origin: unknown. Affected: yes.
Comment: This variant was classified as: Pathogenic. The following ACMG criteria were applied in classifying this variant: PVS1,PM2,PP5.

GeneDx
Classification: Pathogenic. Last evaluated: 2014-03-13. Review status: criteria provided, single submitter. Criteria: GeneDx Variant Classification (06012015). Collection method: clinical testing. Allele origin: germline. Affected: yes.
Comment: p.Arg337Stop (CGA>TGA): c.1009 C>T in exon 9 of the ADSL gene (NM_000026.2) The Arg337Stop mutation has been reported previously as a compound heterozygous mutation in an individual with ADSL deficiency (Kmoch et al., 2000). This mutation is predicted to cause loss of normal protein function either through protein truncation or nonsense-mediated mRNA decay. The variant is found in EPILEPSY panel(s).

Literature cited by the submitters: PubMed 10888601 (cited by Labcorp Genetics (formerly Invitae), Labcorp); PubMed 20177786 (cited by Labcorp Genetics (formerly Invitae), Labcorp).

NM_000026.4(ADSL):c.1009C>T (p.Arg337Ter)

Gene: ADSL (adenylosuccinate lyase; plus strand). Cytogenetic location: 22q13.1.
Variant type: single nucleotide variant.
Coding change: c.1009C>T on transcript NM_000026.4 (MANE Select); coding-DNA position 1009, C replaced by T.
Protein change: p.Arg337Ter; replaces arginine 337 with a stop codon.
Molecular consequence: nonsense. On other transcripts: non-coding transcript variant (1).
Genome position (GRCh38, 1-based): chr22:40,361,634, C>T. VCF-style: chr22-40361634-C-T. GRCh37 (hg19) VCF-style: chr22-40757638-C-T.
Other names: p.R337*:CGA>TGA; c.1009C>T, p.Arg337Ter (NM_001123378.3, NM_001363840.3); c.817C>T, p.Arg273Ter (NM_001317923.2); short protein forms R337*, R273*.
Identifiers: ClinVar variation 204789 (VCV000204789.16), dbSNP rs761493155, ClinGen allele CA313099.